The following is an entry in ClinVar:

ClinVar aggregate classification (germline): Uncertain significance (1 of 4 stars; one submission).

Allele frequency attached by ClinVar (database versions not stated): gnomAD exomes below 0.00001.
gnomAD v4.1: 1 of 1,602,528 alleles (0.000062%); highest among the groups gnomAD compares: Non-Finnish European, 0.000085%; no homozygotes.

Submission:

CeGaT Center for Human Genetics Tuebingen
Classification: Uncertain significance. Last evaluated: 2023-04-01. Review status: criteria provided, single submitter. Criteria: CeGaT Center For Human Genetics Tuebingen Variant Classification Criteria Version 2. Collection method: clinical testing. Allele origin: germline. Affected: yes. Observed: 1 variant allele.
Comment: SOS1: PM2

NM_005633.4(SOS1):c.1159A>G (p.Met387Val)

Gene: SOS1 (SOS Ras/Rac guanine nucleotide exchange factor 1; minus strand). Cytogenetic location: 2p22.1.
Variant type: single nucleotide variant.
Coding change: c.1159A>G on transcript NM_005633.4 (MANE Select); coding-DNA position 1159, A replaced by G.
Protein change: p.Met387Val; replaces methionine 387 with valine.
Molecular consequence: missense variant.
Genome position (GRCh38, 1-based): chr2:39,024,053, T>C on the plus strand (A>G on the coding strand, the complement: SOS1 is on the minus strand). VCF-style: chr2-39024053-T-C. GRCh37 (hg19) VCF-style: chr2-39251194-T-C.
Other names: c.1138A>G, p.Met380Val (NM_001382394.1); c.1159A>G, p.Met387Val (NM_001382395.1); short protein forms M380V, M387V.
Identifiers: ClinVar variation 2571073 (VCV002571073.27), dbSNP rs2529042712, ClinGen allele CA346366835.